The following is an entry in ClinVar:

ClinVar aggregate classification (germline): Uncertain significance (1 of 4 stars; one submission).

Conditions:
CCDC82-related disorder.

Submission:

3billion
Classification: Uncertain significance for CCDC82-related disorder. Last evaluated: 2026-01-18. Review status: criteria provided, single submitter. Criteria: ACMG Guidelines, 2015. Collection method: clinical testing. Allele origin: germline. Affected: yes.
Comment: The variant is not observed in the gnomAD v4.1.0 dataset. Predicted Consequence/Location: Stop-gained (nonsense) variant Therefore, this variant is classified as VUS according to the recommendation of ACMG/AMP guideline.

NM_024725.4(CCDC82):c.1206dup (p.Lys403Ter)

Gene: CCDC82 (coiled-coil domain containing 82; minus strand). Cytogenetic location: 11q21.
Variant type: Duplication.
Coding change: c.1206dup on transcript NM_024725.4 (MANE Select); coding-DNA position 1206, one base duplicated (T; older notation c.1206dupT).
Protein change: p.Lys403Ter; replaces lysine 403 with a stop codon.
Molecular consequence: nonsense.
Genome position (GRCh38, 1-based): chr11:96,371,016, A duplicated on the plus strand (T on the coding strand, the reverse complement: CCDC82 is on the minus strand). VCF-style (leftmost placement, unchanged base first): chr11-96371015-T-TA. GRCh37 (hg19) VCF-style: chr11-96104179-T-TA.
Other names: c.1206dup, p.Lys403Ter (NM_001318736.2, NM_001437542.1); c.1137dup, p.Lys380Ter (NM_001363594.2); short protein forms K380*, K403*.
Identifiers: ClinVar variation 4855735 (VCV004855735.1).